The following is an entry in ClinVar:

NM_020435.4(GJC2):c.577G>T (p.Gly193Cys)

Gene: GJC2 (gap junction protein gamma 2; plus strand). Cytogenetic location: 1q42.13.
Variant type: single nucleotide variant.
Coding change: c.577G>T on transcript NM_020435.4 (MANE Select); coding-DNA position 577, G replaced by T.
Protein change: p.Gly193Cys; replaces glycine 193 with cysteine.
Molecular consequence: missense variant.
Genome position (GRCh38, 1-based): chr1:228,158,335, G>T. VCF-style: chr1-228158335-G-T. GRCh37 (hg19) VCF-style: chr1-228346036-G-T.
Other names: short protein forms G193C.
Identifiers: ClinVar variation 2900381 (VCV002900381.3), dbSNP rs1424210656, ClinGen allele CA345098626.

ClinVar aggregate classification (germline): Uncertain significance (1 of 4 stars; one submission).

Conditions:
Spastic paraplegia. Identifiers: MedGen C0037772, HP:0001258.

Allele frequency attached by ClinVar (database versions not stated): TOPMed 0.00002.
gnomAD v4.1: 9 of 1,567,646 alleles (0.00057%); highest among the groups gnomAD compares: Non-Finnish European, 0.00078%; no homozygotes.

Submission:

Labcorp Genetics (formerly Invitae), Labcorp
Classification: Uncertain significance for Spastic paraplegia. Last evaluated: 2023-04-15. Review status: criteria provided, single submitter. Criteria: Invitae Variant Classification Sherloc (09022015). Collection method: clinical testing. Allele origin: germline.
Comment: In summary, the available evidence is currently insufficient to determine the role of this variant in disease. Therefore, it has been classified as a Variant of Uncertain Significance. Advanced modeling of protein sequence and biophysical properties (such as structural, functional, and spatial information, amino acid conservation, physicochemical variation, residue mobility, and thermodynamic stability) has been performed at Invitae for this missense variant, however the output from this modeling did not meet the statistical confidence thresholds required to predict the impact of this variant on GJC2 protein function. This variant has not been reported in the literature in individuals affected with GJC2-related conditions. This variant is not present in population databases (gnomAD no frequency). This sequence change replaces glycine, which is neutral and non-polar, with cysteine, which is neutral and slightly polar, at codon 193 of the GJC2 protein (p.Gly193Cys).